The following is an entry in ClinVar:

NM_025233.7(COASY):c.836A>G (p.Asp279Gly)

Gene: COASY (Coenzyme A synthase; plus strand). Cytogenetic location: 17q21.2.
Variant type: single nucleotide variant.
Coding change: c.836A>G on transcript NM_025233.7 (MANE Select); coding-DNA position 836, A replaced by G.
Protein change: p.Asp279Gly; replaces aspartic acid 279 with glycine.
Molecular consequence: missense variant.
Genome position (GRCh38, 1-based): chr17:42,564,096, A>G. VCF-style: chr17-42564096-A-G. GRCh37 (hg19) VCF-style: chr17-40716114-A-G.
Other names: c.836A>G, p.Asp279Gly (NM_001042529.3); c.923A>G, p.Asp308Gly (NM_001042532.4); short protein forms D279G, D308G.
Identifiers: ClinVar variation 4744808 (VCV004744808.1).
Genomic context (GRCh38, chr17:42,564,096, plus strand): 5'-AGCCCTCCTTGACTTTTGATGTCATCCCCCTGCTGGACCCCTATGGGCCCGCTGGCTCTG[A>G]CCCCTCCCTGGAGTTCCTGGTGGTCAGCGAGGAGACCTATCGTGGGGGGATGGCCATCAA-3'
Protein context (NP_079509.5, residues 269-289): LLDPYGPAGS[Asp279Gly]PSLEFLVVSE

ClinVar aggregate classification (germline): Uncertain significance (1 of 4 stars; one submission).

Conditions:
Neurodegeneration with brain iron accumulation 6 (NBIA6). Also called: COASY protein-associated neurodegeneration. Identifiers: Orphanet 397725, MedGen C4517377, MONDO:0014290, OMIM 615643.

Submission:

Labcorp Genetics (formerly Invitae), Labcorp
Classification: Uncertain significance for Neurodegeneration with brain iron accumulation 6. Last evaluated: 2025-09-09. Review status: criteria provided, single submitter. Criteria: Invitae Variant Classification Sherloc (09022015). Collection method: clinical testing. Allele origin: germline.
Comment: This sequence change replaces aspartic acid, which is acidic and polar, with glycine, which is neutral and non-polar, at codon 279 of the COASY protein (p.Asp279Gly). This variant is not present in population databases (gnomAD no frequency). This variant has not been reported in the literature in individuals affected with COASY-related conditions. Invitae Evidence Modeling of protein sequence and biophysical properties (such as structural, functional, and spatial information, amino acid conservation, physicochemical variation, residue mobility, and thermodynamic stability) indicates that this missense variant is expected to disrupt COASY protein function with a positive predictive value of 80%. In summary, the available evidence is currently insufficient to determine the role of this variant in disease. Therefore, it has been classified as a Variant of Uncertain Significance.